The following is an entry in ClinVar:

NM_000535.7(PMS2):c.2168T>A (p.Leu723His)

Gene: PMS2 (PMS1 homolog 2, mismatch repair system component; minus strand). Cytogenetic location: 7p22.1.
Variant type: single nucleotide variant.
Coding change: c.2168T>A on transcript NM_000535.7 (MANE Select); coding-DNA position 2168, T replaced by A.
Protein change: p.Leu723His; replaces leucine 723 with histidine.
Molecular consequence: missense variant. On other transcripts: non-coding transcript variant (1), intron variant (4).
Genome position (GRCh38, 1-based): chr7:5,982,830, A>T on the plus strand (T>A on the coding strand, the complement: PMS2 is on the minus strand). VCF-style: chr7-5982830-A-T. GRCh37 (hg19) VCF-style: chr7-6022461-A-T.
Other names: c.1763T>A, p.Leu588His (NM_001018040.1, NM_001322003.2, NM_001322004.2 and 15 more transcripts); c.2012T>A, p.Leu671His (NM_001322006.2, NM_001406870.1); c.1850T>A, p.Leu617His (NM_001322007.2, NM_001322008.2, NM_001406876.1 and 1 more transcripts); c.1607T>A, p.Leu536His (NM_001322010.2, NM_001406906.1, NM_001406907.1); c.1235T>A, p.Leu412His (NM_001322011.2, NM_001322012.2); c.1595T>A, p.Leu532His (NM_001322013.2, NM_001406909.1); c.2168T>A, p.Leu723His (NM_001322014.2, NM_001406871.1); c.1859T>A, p.Leu620His (NM_001322015.2, NM_001406875.1, NM_001406877.1 and 5 more transcripts); and 16 more; short protein forms L322H, L412H, L466H, L532H, L536H, L552H, L565H, L568H.
Identifiers: ClinVar variation 3232004 (VCV003232004.1), dbSNP rs1246922900, ClinGen allele CA366737848.

ClinVar aggregate classification (germline): Uncertain significance (1 of 4 stars; one submission).

Conditions:
Hereditary cancer-predisposing syndrome. Also called: Neoplastic Syndromes, Hereditary; Tumor predisposition; Hereditary neoplastic syndrome; Hereditary Cancer Syndrome. Identifiers: Orphanet 140162, MedGen C0027672, MeSH D009386, MONDO:0015356.

Submission:

Ambry Genetics
Classification: Uncertain significance for Hereditary cancer-predisposing syndrome. Last evaluated: 2023-11-21. Review status: criteria provided, single submitter. Criteria: Ambry Variant Classification Scheme 2023. Collection method: clinical testing. Allele origin: germline.
Comment: The p.L723H variant (also known as c.2168T>A), located in coding exon 12 of the PMS2 gene, results from a T to A substitution at nucleotide position 2168. The leucine at codon 723 is replaced by histidine, an amino acid with similar properties. This amino acid position is conserved. In addition, this alteration is predicted to be deleterious by in silico analysis. Since supporting evidence is limited at this time, the clinical significance of this alteration remains unclear.